The following is an entry in ClinVar:

NM_012473.4(TXN2):c.376A>G (p.Ile126Val)

Gene: TXN2 (thioredoxin 2; minus strand). Cytogenetic location: 22q12.3.
Variant type: single nucleotide variant.
Coding change: c.376A>G on transcript NM_012473.4 (MANE Select); coding-DNA position 376, A replaced by G.
Protein change: p.Ile126Val; replaces isoleucine 126 with valine.
Molecular consequence: missense variant.
Genome position (GRCh38, 1-based): chr22:36,476,744, T>C on the plus strand (A>G on the coding strand, the complement: TXN2 is on the minus strand). VCF-style: chr22-36476744-T-C. GRCh37 (hg19) VCF-style: chr22-36872791-T-C.
Other names: short protein forms I126V.
Identifiers: ClinVar variation 1031205 (VCV001031205.8), dbSNP rs141470075, ClinGen allele CA10210827.
Genomic context (GRCh38, chr22:36,476,744, plus strand): 5'-GACACCTCCTATACTGGCTTCCCTGTGGCAACTCCCTGTCAATCCATACCTCATACTCAA[T>C]GGCGAGGTCTGTGTGGTCATCAATATCCACCTTGGCCATCACCACCTTCCCGTGCTGCTT-3'
Protein context (NP_036605.2, residues 116-136): VDIDDHTDLA[Ile126Val]EYEVSAVPTV

ClinVar aggregate classification (germline): Uncertain significance. Review status: criteria provided, multiple submitters, no conflicts (2 of 4 stars). 3 submissions from 3 submitters: Uncertain significance (3). Last evaluated 2025-09-21.

Conditions:
Combined oxidative phosphorylation deficiency 29 (COXPD29). Also called: Combined oxidative phosphorylation defect type 29. Identifiers: Orphanet 478029, MedGen C5567607, MONDO:0014781, OMIM 616811.

Allele frequency attached by ClinVar (database versions not stated): ESP Exome Variant Server 0.00008; TOPMed 0.00015.
gnomAD v4.1: 44 of 1,614,036 alleles (0.0027%); highest among the groups gnomAD compares: African/African-American, 0.036%; no homozygotes.

Submissions (3):

Labcorp Genetics (formerly Invitae), Labcorp
Classification: Uncertain significance. Last evaluated: 2025-09-21. Review status: criteria provided, single submitter. Criteria: Invitae Variant Classification Sherloc (09022015). Collection method: clinical testing. Allele origin: germline.
Comment: This sequence change replaces isoleucine, which is neutral and non-polar, with valine, which is neutral and non-polar, at codon 126 of the TXN2 protein (p.Ile126Val). This variant is present in population databases (rs141470075, gnomAD 0.04%). This variant has not been reported in the literature in individuals affected with TXN2-related conditions. ClinVar contains an entry for this variant (Variation ID: 1031205). An algorithm developed to predict the effect of missense changes on protein structure and function (PolyPhen-2) suggests that this variant is likely to be tolerated. In summary, the available evidence is currently insufficient to determine the role of this variant in disease. Therefore, it has been classified as a Variant of Uncertain Significance.

Ambry Genetics
Classification: Uncertain significance. Last evaluated: 2025-08-30. Review status: criteria provided, single submitter. Criteria: Ambry Variant Classification Scheme 2023. Collection method: clinical testing. Allele origin: germline.

Baylor Genetics
Classification: Uncertain significance for Combined oxidative phosphorylation deficiency 29. Last evaluated: 2019-03-27. Review status: criteria provided, single submitter. Criteria: ACMG Guidelines, 2015. Collection method: clinical testing. Allele origin: paternal. Affected: yes.
Comment: This variant was determined to be of uncertain significance according to ACMG Guidelines, 2015 [PMID:25741868].